The following is an entry in ClinVar:

NM_003477.3(PDHX):c.434A>C (p.Lys145Thr)

Gene: PDHX (pyruvate dehydrogenase complex component X; plus strand). Cytogenetic location: 11p13.
Variant type: single nucleotide variant.
Coding change: c.434A>C on transcript NM_003477.3 (MANE Select); coding-DNA position 434, A replaced by C.
Protein change: p.Lys145Thr; replaces lysine 145 with threonine.
Molecular consequence: missense variant. On other transcripts: intron variant (1).
Genome position (GRCh38, 1-based): chr11:34,957,475, A>C. VCF-style: chr11-34957475-A-C. GRCh37 (hg19) VCF-style: chr11-34979022-A-C.
Other names: c.254A>C, p.Lys85Thr (NM_001135024.2); c.342+9869A>C (NM_001166158.2); short protein forms K85T, K145T.
Identifiers: ClinVar variation 1346604 (VCV001346604.4), dbSNP rs371030372, ClinGen allele CA5945869.

ClinVar aggregate classification (germline): Uncertain significance (1 of 4 stars; one submission).

Allele frequency attached by ClinVar (database versions not stated): ESP Exome Variant Server 0.00008.
gnomAD v4.1: 53 of 1,613,808 alleles (0.0033%); highest among the groups gnomAD compares: Middle Eastern, 0.033%; no homozygotes.

Submission:

Labcorp Genetics (formerly Invitae), Labcorp
Classification: Uncertain significance. Last evaluated: 2024-10-14. Review status: criteria provided, single submitter. Criteria: Invitae Variant Classification Sherloc (09022015). Collection method: clinical testing. Allele origin: germline.
Comment: This sequence change replaces lysine, which is basic and polar, with threonine, which is neutral and polar, at codon 145 of the PDHX protein (p.Lys145Thr). This variant is present in population databases (rs371030372, gnomAD 0.006%). This variant has not been reported in the literature in individuals affected with PDHX-related conditions. ClinVar contains an entry for this variant (Variation ID: 1346604). Invitae Evidence Modeling of protein sequence and biophysical properties (such as structural, functional, and spatial information, amino acid conservation, physicochemical variation, residue mobility, and thermodynamic stability) indicates that this missense variant is not expected to disrupt PDHX protein function with a negative predictive value of 80%. In summary, the available evidence is currently insufficient to determine the role of this variant in disease. Therefore, it has been classified as a Variant of Uncertain Significance.